The following is an entry in ClinVar:

ClinVar aggregate classification (germline): Uncertain significance. Review status: criteria provided, multiple submitters, no conflicts (2 of 4 stars). 3 submissions from 3 submitters: Uncertain significance (3). Last evaluated 2026-09-08.

Conditions:
PKD1-related disorder. Also called: PKD1-related condition.
Polycystic kidney disease, adult type (PKD1). Also called: Polycystic Kidney Disease 1, Autosomal Dominant; Polycystic kidney disease 1; Polycystic kidney disease 1, severe; Polycystic Kidney, Autosomal Dominant; POLYCYSTIC KIDNEY DISEASE, ADULT, TYPE I; POLYCYSTIC KIDNEY DISEASE 1 WITH OR WITHOUT POLYCYSTIC LIVER DISEASE. Identifiers: MedGen C3149841, MONDO:0008263, OMIM 173900.
Inborn genetic diseases. Identifiers: MedGen C0950123, MeSH D030342.

gnomAD v4.1: 23 of 1,566,876 alleles (0.0015%); highest among the groups gnomAD compares: African/African-American, 0.0027%; no homozygotes.

Submissions (3):

PreventionGenetics, part of Exact Sciences
Classification: Uncertain significance for PKD1-related condition. Last evaluated: 2026-09-08. Review status: criteria provided, single submitter. Criteria: ACMG Guidelines, 2015. Collection method: clinical testing. Allele origin: germline.
Comment: The PKD1 c.9904G>A variant is predicted to result in the amino acid substitution p.Val3302Ile. To our knowledge, this variant has not been reported in the literature. This variant is reported in 0.0039% of alleles in individuals of Latino descent in gnomAD. At this time, the clinical significance of this variant is uncertain due to the absence of conclusive functional and genetic evidence.

Ambry Genetics
Classification: Uncertain significance for Inborn genetic diseases. Last evaluated: 2025-11-20. Review status: criteria provided, single submitter. Criteria: Ambry Variant Classification Scheme 2023. Collection method: clinical testing. Allele origin: germline.

Fulgent Genetics
Classification: Uncertain significance for Polycystic kidney disease, adult type. Last evaluated: 2024-04-02. Review status: criteria provided, single submitter. Criteria: ACMG Guidelines, 2015. Collection method: clinical testing. Allele origin: germline.

NM_001009944.3(PKD1):c.9904G>A (p.Val3302Ile)

Gene: PKD1 (polycystin 1, transient receptor potential channel interacting; minus strand). Cytogenetic location: 16p13.3.
Variant type: single nucleotide variant.
Coding change: c.9904G>A on transcript NM_001009944.3 (MANE Select); coding-DNA position 9904, G replaced by A.
Protein change: p.Val3302Ile; replaces valine 3302 with isoleucine.
Molecular consequence: missense variant.
Genome position (GRCh38, 1-based): chr16:2,099,880, C>T on the plus strand (G>A on the coding strand, the complement: PKD1 is on the minus strand). VCF-style: chr16-2099880-C-T. GRCh37 (hg19) VCF-style: chr16-2149881-C-T.
Other names: c.9904G>A (NM_000296.3); c.9904G>A, p.Val3302Ile (NM_000296.4); short protein forms V3302I.
Identifiers: ClinVar variation 3579062 (VCV003579062.3).
Genomic context (GRCh38, chr16:2,099,880, plus strand): 5'-GCTGGGCAGGAAGAGGCTGCCCCGACCCCTACGGCACCCACCTGTAGGCAGAGTCGCCAA[C>T]AGCCCCGTACCACACGGCGTTGGCGCCCAGGAAGAGGCAGATGAGGAGAACGCAGCAGGT-3'
Protein context (NP_001009944.3, residues 3292-3312): LGANAVWYGA[Val3302Ile]GDSAYSTGHV